The following is an entry in ClinVar:

ClinVar aggregate classification (germline): Uncertain significance (1 of 4 stars; one submission).

Allele frequency attached by ClinVar (database versions not stated): TOPMed below 0.00001; gnomAD 0.00001; gnomAD exomes 0.00001; ExAC 0.00002; 1000 Genomes Project 30x 0.00016; 1000 Genomes Project 0.00020.
gnomAD v4.1: 19 of 1,610,802 alleles (0.0012%); highest among the groups gnomAD compares: Non-Finnish European, 0.0015%; no homozygotes.

Submission:

Labcorp Genetics (formerly Invitae), Labcorp
Classification: Uncertain significance. Last evaluated: 2025-10-12. Review status: criteria provided, single submitter. Criteria: Invitae Variant Classification Sherloc (09022015). Collection method: clinical testing. Allele origin: germline.
Comment: This sequence change replaces alanine, which is neutral and non-polar, with threonine, which is neutral and polar, at codon 2574 of the HMCN1 protein (p.Ala2574Thr). This variant is present in population databases (rs201302454, gnomAD 0.003%). This variant has not been reported in the literature in individuals affected with HMCN1-related conditions. ClinVar contains an entry for this variant (Variation ID: 1442138). An algorithm developed to predict the effect of missense changes on protein structure and function outputs the following: PolyPhen-2: "Benign". The threonine amino acid residue is found in multiple mammalian species, which suggests that this missense change does not adversely affect protein function. In summary, the available evidence is currently insufficient to determine the role of this variant in disease. Therefore, it has been classified as a Variant of Uncertain Significance.

NM_031935.3(HMCN1):c.7720G>A (p.Ala2574Thr)

Gene: HMCN1 (hemicentin 1; plus strand). Cytogenetic location: 1q31.1.
Variant type: single nucleotide variant.
Coding change: c.7720G>A on transcript NM_031935.3 (MANE Select); coding-DNA position 7720, G replaced by A.
Protein change: p.Ala2574Thr; replaces alanine 2574 with threonine.
Molecular consequence: missense variant.
Genome position (GRCh38, 1-based): chr1:186,067,848, G>A. VCF-style: chr1-186067848-G-A. GRCh37 (hg19) VCF-style: chr1-186036980-G-A.
Other names: short protein forms A2574T.
Identifiers: ClinVar variation 1442138 (VCV001442138.6), dbSNP rs201302454, ClinGen allele CA1292931.
Genomic context (GRCh38, chr1:186,067,848, plus strand): 5'-ACAAATTTCTACATATATTTCTTCAACAAATTTTCATCTTTTTCAGTATCTCCTACAATT[G>A]CTGGTGTAGGTAGTGATGGCAACCCTGAAGATGTCACTGTCATCCTTAACAGCCCTACAT-3'
Protein context (NP_114141.2, residues 2564-2584): SLNVFVSPTI[Ala2574Thr]GVGSDGNPED